The following is an entry in ClinVar:

ClinVar aggregate classification (germline): Uncertain significance (1 of 4 stars; one submission).

Submission:

GeneDx
Classification: Uncertain significance. Last evaluated: 2023-06-15. Review status: criteria provided, single submitter. Criteria: GeneDx Variant Classification Process June 2021. Collection method: clinical testing. Allele origin: germline. Affected: yes.
Comment: Not observed at significant frequency in large population cohorts (gnomAD); In silico analysis supports that this missense variant has a deleterious effect on protein structure/function; Has not been previously published as pathogenic or benign to our knowledge

NM_004999.4(MYO6):c.2705T>C (p.Leu902Pro)

Gene: MYO6 (myosin VI; plus strand). Cytogenetic location: 6q14.1.
Variant type: single nucleotide variant.
Coding change: c.2705T>C on transcript NM_004999.4 (MANE Select); coding-DNA position 2705, T replaced by C.
Protein change: p.Leu902Pro; replaces leucine 902 with proline.
Molecular consequence: missense variant. On other transcripts: non-coding transcript variant (1).
Genome position (GRCh38, 1-based): chr6:75,890,103, T>C. VCF-style: chr6-75890103-T-C. GRCh37 (hg19) VCF-style: chr6-76599820-T-C.
Other names: c.2705T>C, p.Leu902Pro (NM_001300899.2, NM_001368136.1, NM_001368137.1 and 2 more transcripts); c.2690T>C, p.Leu897Pro (NM_001368138.1); short protein forms L897P, L902P.
Identifiers: ClinVar variation 3359998 (VCV003359998.1).